The following is an entry in ClinVar:

NC_000002.11:g.(?_15760332)_(17692222_?)del

Genes: CYRIA (CYFIP related Rac1 interactor A; minus strand), DDX1 (DEAD-box helicase 1; plus strand), MYCN (MYCN proto-oncogene, bHLH transcription factor; plus strand), MYCNOS (MYCN opposite strand; minus strand), RAD51AP2 (RAD51 associated protein 2; minus strand). Cytogenetic location: 2p24.3-24.2.
Variant type: Deletion.
Identifiers: ClinVar variation 1458517 (VCV001458517.5).

ClinVar aggregate classification (germline): Pathogenic (1 of 4 stars; one submission).

Submission:

Labcorp Genetics (formerly Invitae), Labcorp
Classification: Pathogenic. Last evaluated: 2021-09-29. Review status: criteria provided, single submitter. Criteria: Invitae Variant Classification Sherloc (09022015). Collection method: clinical testing. Allele origin: germline.
Comment: For these reasons, this variant has been classified as Pathogenic. A similar copy number variant has been observed in individual(s) with Feingold syndrome (PMID: 22382802). A gross deletion of the genomic region encompassing the full coding sequence of the MYCN gene has been identified. Loss-of-function variants in MYCN are known to be pathogenic (PMID: 18470948). The boundaries of this event are unknown as they extend beyond the assayed region for this gene and therefore may encompass additional genes.

Literature cited by the submitters: PubMed 22382802; PubMed 18470948.